The following is an entry in ClinVar:

ClinVar aggregate classification (germline): Uncertain significance (1 of 4 stars; one submission).

Conditions:
CEP290-related disorder. Also called: CEP290-related condition; CEP290-related disorders. Identifiers: MedGen CN239314.

Submission:

PreventionGenetics, part of Exact Sciences
Classification: Uncertain significance for CEP290-related condition. Last evaluated: 2025-10-30. Review status: criteria provided, single submitter. Criteria: ACMG Guidelines, 2015. Collection method: clinical testing. Allele origin: germline.
Comment: The CEP290 c.6181C>T variant is predicted to result in the amino acid substitution p.Leu2061Phe. To our knowledge, this variant has not been reported in the literature. This variant is reported in 0.0011% of alleles in individuals of European (Non-Finnish) descent in gnomAD. At this time, the clinical significance of this variant is uncertain due to the absence of conclusive functional and genetic evidence.

NM_025114.4(CEP290):c.6181C>T (p.Leu2061Phe)

Gene: CEP290 (centrosomal protein 290; minus strand). Cytogenetic location: 12q21.32.
Variant type: single nucleotide variant.
Coding change: c.6181C>T on transcript NM_025114.4 (MANE Select); coding-DNA position 6181, C replaced by T.
Protein change: p.Leu2061Phe; replaces leucine 2061 with phenylalanine.
Molecular consequence: missense variant.
Genome position (GRCh38, 1-based): chr12:88,064,070, G>A on the plus strand (C>T on the coding strand, the complement: CEP290 is on the minus strand). VCF-style: chr12-88064070-G-A. GRCh37 (hg19) VCF-style: chr12-88457847-G-A.
Other names: short protein forms L2061F.
Identifiers: ClinVar variation 4995193 (VCV004995193.1).